The following is an entry in ClinVar:

ClinVar aggregate classification (germline): Uncertain significance. Review status: criteria provided, multiple submitters, no conflicts (2 of 4 stars). 3 submissions from 3 submitters: Uncertain significance (3). Last evaluated 2026-08-31.

Conditions:
Inborn genetic diseases. Identifiers: MedGen C0950123, MeSH D030342.

Allele frequency attached by ClinVar (database versions not stated): gnomAD 0.00001; TOPMed 0.00001.
gnomAD v4.1: 4 of 1,547,534 alleles (0.00026%); highest among the groups gnomAD compares: African/African-American, 0.0014%; no homozygotes.

Submissions (3):

Ambry Genetics
Classification: Uncertain significance for Inborn genetic diseases. Last evaluated: 2026-08-31. Review status: criteria provided, single submitter. Criteria: Ambry Variant Classification Scheme 2023. Collection method: clinical testing. Allele origin: germline.

ARUP Laboratories, Molecular Genetics and Genomics, ARUP Laboratories
Classification: Uncertain significance. Last evaluated: 2025-06-05. Review status: criteria provided, single submitter. Criteria: ARUP Molecular Germline Variant Investigation Process 2024. Collection method: clinical testing. Allele origin: germline.
Comment: The PIEZO1 c.2818G>A; p.Val940Ile variant (rs1038879369), to our knowledge, is not reported in the medical literature but is reported in ClinVar (Variation ID: 424378). This variant is also absent from the Genome Aggregation Database (v2.1.1), indicating it is not a common polymorphism. Computational analyses are uncertain whether this variant is neutral or deleterious (REVEL: 0.196). Due to limited information, the clinical significance of this variant is uncertain at this time.

GeneDx
Classification: Uncertain significance. Last evaluated: 2017-03-24. Review status: criteria provided, single submitter. Criteria: GeneDx Variant Classification (06012015). Collection method: clinical testing. Allele origin: germline. Affected: yes.
Comment: The V940I variant in the PIEZO1 gene has not been reported previously as a pathogenic variant, nor as a benign variant, to our knowledge. The V940I variant is not observed in large population cohorts (Lek et al., 2016; 1000 Genomes Consortium et al., 2015; Exome Variant Server). The V940I variant is a conservative amino acid substitution, which is not likely to impact secondary protein structure as these residues share similar properties. This substitution occurs at a position where amino acids with similar properties to Valine are tolerated across species. In silico analysis is inconsistent in its predictions as to whether or not the variant is damaging to the protein structure/function. We interpret V940I as a variant of uncertain significance.

NM_001142864.4(PIEZO1):c.2818G>A (p.Val940Ile)

Genes: PIEZO1 (piezo type mechanosensitive ion channel component 1 (Er blood group); minus strand), HSALR1 (HSP90AB1 associated lncRNA 1; plus strand). Cytogenetic location: 16q24.3.
Variant type: single nucleotide variant.
Coding change: c.2818G>A on transcript NM_001142864.4 (MANE Select); coding-DNA position 2818, G replaced by A.
Protein change: p.Val940Ile; replaces valine 940 with isoleucine.
Molecular consequence: missense variant.
Genome position (GRCh38, 1-based): chr16:88,732,508, C>T on the plus strand (G>A on the coding strand, the complement: PIEZO1 is on the minus strand). VCF-style: chr16-88732508-C-T. GRCh37 (hg19) VCF-style: chr16-88798916-C-T.
Other names: c.2818G>A, p.Val940Ile (LRG_1137t1); short protein forms V940I.
Identifiers: ClinVar variation 424378 (VCV000424378.4), dbSNP rs1038879369, ClinGen allele CA16620292.